The following is an entry in ClinVar:

NM_177924.5(ASAH1):c.917+5G>A

Gene: ASAH1 (N-acylsphingosine amidohydrolase 1; minus strand). Cytogenetic location: 8p22.
Variant type: single nucleotide variant.
Coding change: c.917+5G>A on transcript NM_177924.5 (MANE Select); 5 bases into the intron after coding-DNA position 917, G replaced by A.
Molecular consequence: intron variant.
Genome position (GRCh38, 1-based): chr8:18,059,567, C>T on the plus strand (G>A on the coding strand, the complement: ASAH1 is on the minus strand). VCF-style: chr8-18059567-C-T. GRCh37 (hg19) VCF-style: chr8-17917076-C-T.
Other names: c.965+5G>A (NM_004315.6); c.899+5G>A (NM_001127505.3); c.722+5G>A (NM_001363743.2).
Identifiers: ClinVar variation 812506 (VCV000812506.1), dbSNP rs1588974593, ClinGen allele CA915945614.
Genomic context (GRCh38, chr8:18,059,567, plus strand): 5'-AAAACTCAAAGTATATCAGTGTATGCTTTTGTTTCTACTTCTTTTGCTTTAACAAACCTA[C>T]TTACTCATATACATCCAATGATTCCTTTCTGTCTCGTGTAATCACACAACCTTCCCCAGA-3'

ClinVar aggregate classification (germline): Likely pathogenic (1 of 4 stars; one submission).

Conditions:
Farber lipogranulomatosis (FRBRL). Also called: AC DEFICIENCY; ACID CERAMIDASE DEFICIENCY; CERAMIDASE DEFICIENCY; N-LAURYLSPHINGOSINE DEACYLASE DEFICIENCY; Farber's lipogranulomatosis; Farber's disease. Identifiers: Orphanet 333, MedGen C0268255, MONDO:0009218, OMIM 228000.

Submission:

Medical Affairs, Dicerna Pharmaceuticals
Classification: Likely pathogenic for Farber lipogranulomatosis. Last evaluated: 2019-07-01. Review status: criteria provided, single submitter. Criteria: ACMG Guidelines, 2015. Collection method: literature only. Allele origin: unknown. Inheritance: Autosomal recessive inheritance. Affected: yes. Observed: 1 variant allele.
Comment: Variant c.917+5G>A is likely pathogenic based on the following rationale. Variant c.917+5G>A has been identified in patient described in Ehlert et al., 2017, DOI: 10.1002/jimd.12043. The patient has been diagnosed with Farber disease characteristic of Type 5 Farber disease described in Gene Reviews. The variant results in the production of both mutant and wild type transcripts. As expected, the subcutaneous granulomas resolved with few subluxations remaining.

Literature cited by the submitters: DOI 10.1002/jimd.12043.